The following is an entry in ClinVar:

NM_005633.4(SOS1):c.2400_2401delinsTT (p.Gln800_Pro801delinsHisSer)

Gene: SOS1 (SOS Ras/Rac guanine nucleotide exchange factor 1; minus strand). Cytogenetic location: 2p22.1.
Variant type: Indel.
Coding change: c.2400_2401delinsTT on transcript NM_005633.4 (MANE Select); coding-DNA positions 2400 to 2401, GC replaced by TT.
Protein change: p.Gln800_Pro801delinsHisSer.
Molecular consequence: missense variant.
Genome position (GRCh38, 1-based): chr2:39,010,693-39,010,694, GC replaced by AA on the plus strand (GC replaced by TT on the coding strand, the reverse complement: SOS1 is on the minus strand). VCF-style: chr2-39010693-GC-AA. GRCh37 (hg19) VCF-style: chr2-39237834-GC-AA.
Other names: c.2379_2380delinsTT, p.Gln793_Pro794delinsHisSer (NM_001382394.1); c.2400_2401delinsTT, p.Gln800_Pro801delinsHisSer (NM_001382395.1).
Identifiers: ClinVar variation 3649521 (VCV003649521.2).
Genomic context (GRCh38, chr2:39,010,693, plus strand): 5'-GATTAGGAGAGTTAATTTCTTTGTCTTCTTTTGTCCACACACTTCCAACTAATTCTGATG[GC>AA]TGTACAGCTCTAAAATCATCAATACATAATTCTACATGACACTTTTTTCTCTAATATAGA-3'

ClinVar aggregate classification (germline): Uncertain significance (1 of 4 stars; one submission).

Conditions:
RASopathy. Also called: rasopathies; Noonan spectrum disorder. Identifiers: Orphanet 536391, MedGen C5555857, MONDO:0021060.

Submission:

Labcorp Genetics (formerly Invitae), Labcorp
Classification: Uncertain significance for RASopathy. Last evaluated: 2024-04-10. Review status: criteria provided, single submitter. Criteria: Invitae Variant Classification Sherloc (09022015). Collection method: clinical testing. Allele origin: germline.
Comment: This variant, c.2400_2401delinsTT, is a complex sequence change that results in the deletion of 2 and insertion of 2 amino acid(s) in the SOS1 protein (p.Gln800_Pro801delinsHisSer). Information on the frequency of this variant in the gnomAD database is not available, as this variant may be reported differently in the database. This variant has not been reported in the literature in individuals affected with SOS1-related conditions. Experimental studies and prediction algorithms are not available or were not evaluated, and the functional significance of this variant is currently unknown. In summary, the available evidence is currently insufficient to determine the role of this variant in disease. Therefore, it has been classified as a Variant of Uncertain Significance.